The following is an entry in ClinVar:

ClinVar aggregate classification (germline): Likely benign. Review status: criteria provided, single submitter (1 of 4 stars). 2 submissions from 2 submitters: Likely benign (1). 1 of the submissions does not count toward it. Last evaluated 2026-02-01.

Conditions:
TANC2-related disorder. Also called: TANC2-related condition.

Allele frequency attached by ClinVar (database versions not stated): ExAC 0.00011; ESP Exome Variant Server 0.00016; gnomAD 0.00017; gnomAD exomes 0.00017; TOPMed 0.00019.
gnomAD v4.1: 268 of 1,613,912 alleles (0.017%); highest among the groups gnomAD compares: Non-Finnish European, 0.02%; no homozygotes.

Submissions (2):

CeGaT Center for Human Genetics Tuebingen
Classification: Likely benign. Last evaluated: 2026-02-01. Review status: criteria provided, single submitter. Criteria: CeGaT Center For Human Genetics Tuebingen Variant Classification Criteria Version 2. Collection method: clinical testing. Allele origin: germline. Affected: yes. Observed: 6 variant alleles.
Comment: TANC2: BP4, BP7

PreventionGenetics, part of Exact Sciences
Classification: Likely benign for TANC2-related condition. Last evaluated: 2019-06-12. Review status: no assertion criteria provided. Collection method: clinical testing. Allele origin: germline. Not counted in ClinVar's aggregate classification.
Comment: This variant is classified as likely benign based on ACMG/AMP sequence variant interpretation guidelines (Richards et al. 2015 PMID: 25741868, with internal and published modifications).

NM_001394998.1(TANC2):c.6036C>T (p.Asn2012=)

Gene: TANC2 (tetratricopeptide repeat, ankyrin repeat and coiled-coil containing 2; plus strand). Cytogenetic location: 17q23.3.
Variant type: single nucleotide variant.
Coding change: c.6036C>T on transcript NM_001394998.1 (MANE Select); coding-DNA position 6036, C replaced by T.
Protein change: p.Asn2012=; no amino-acid change (asparagine 2012 retained).
Molecular consequence: synonymous variant.
Genome position (GRCh38, 1-based): chr17:63,421,766, C>T. VCF-style: chr17-63421766-C-T. GRCh37 (hg19) VCF-style: chr17-61499127-C-T.
Other names: c.5784C>T (NM_025185.3); c.5814C>T, p.Asn1938= (NM_001411076.1); c.5784C>T, p.Asn1928= (NM_025185.4).
Identifiers: ClinVar variation 2648073 (VCV002648073.25), dbSNP rs376741426, ClinGen allele CA8698550.
Genomic context (GRCh38, chr17:63,421,766, plus strand): 5'-TGCACAGAATGGCCATTTGCTGGAGGACGATTATTACAGCCCCCATGGGATGCTGGCTAA[C>T]GGGTCTCGTGGAGACCTCTTGGAGCGAGTCAGCCAGGCCTCCTCCTATCCCGACGTGAAG-3'
Protein context (NP_001381927.1, residues 2002-2022): DYYSPHGMLA[Asn2012=]GSRGDLLERV